The following is an entry in ClinVar:

ClinVar aggregate classification (germline): Uncertain significance. Review status: criteria provided, multiple submitters, no conflicts (2 of 4 stars). 4 submissions from 4 submitters: Uncertain significance (4). Last evaluated 2025-09-10.

Conditions:
Cardiovascular phenotype. Identifiers: MedGen CN230736.
Hypertrophic cardiomyopathy 11. Also called: ACTC1-Related Familial Hypertrophic Cardiomyopathy. Identifiers: MedGen C2677506, MONDO:0012799, OMIM 612098.
Dilated cardiomyopathy 1R (CMD1R). Identifiers: Orphanet 154, Orphanet 54260, MedGen C3150681, MONDO:0013261, OMIM 613424.
Atrial septal defect 5 (ASD5). Identifiers: Orphanet 1478, MedGen C2748552, MONDO:0013011, OMIM 612794.

Allele frequency attached by ClinVar (database versions not stated): gnomAD exomes below 0.00001.

Submissions (4):

Genomic Medicine Center of Excellence, King Faisal Specialist Hospital and Research Centre
Classification: Uncertain significance for Dilated cardiomyopathy 1R. Last evaluated: 2025-09-10. Review status: criteria provided, single submitter. Criteria: ACMG Guidelines, 2015. Collection method: clinical testing. Allele origin: germline.

Labcorp Genetics (formerly Invitae), Labcorp
Classification: Uncertain significance for Dilated cardiomyopathy 1R; Hypertrophic cardiomyopathy 11; Atrial septal defect 5. Last evaluated: 2024-03-05. Review status: criteria provided, single submitter. Criteria: Invitae Variant Classification Sherloc (09022015). Collection method: clinical testing. Allele origin: germline.
Comment: This sequence change replaces methionine, which is neutral and non-polar, with threonine, which is neutral and polar, at codon 125 of the ACTC1 protein (p.Met125Thr). This variant is not present in population databases (gnomAD no frequency). This variant has not been reported in the literature in individuals affected with ACTC1-related conditions. ClinVar contains an entry for this variant (Variation ID: 653219). Advanced modeling of protein sequence and biophysical properties (such as structural, functional, and spatial information, amino acid conservation, physicochemical variation, residue mobility, and thermodynamic stability) performed at Invitae indicates that this missense variant is expected to disrupt ACTC1 protein function with a positive predictive value of 80%. This variant disrupts the p.Met125 amino acid residue in ACTC1. Other variant(s) that disrupt this residue have been determined to be pathogenic (PMID: 17947298). This suggests that this residue is clinically significant, and that variants that disrupt this residue are likely to be disease-causing. In summary, the available evidence is currently insufficient to determine the role of this variant in disease. Therefore, it has been classified as a Variant of Uncertain Significance.

Ambry Genetics
Classification: Uncertain significance for Cardiovascular phenotype. Last evaluated: 2022-11-21. Review status: criteria provided, single submitter. Criteria: Ambry Variant Classification Scheme 2023. Collection method: clinical testing. Allele origin: germline.
Comment: The p.M125T variant (also known as c.374T>C), located in coding exon 2 of the ACTC1 gene, results from a T to C substitution at nucleotide position 374. The methionine at codon 125 is replaced by threonine, an amino acid with similar properties. This amino acid position is conserved. In addition, this alteration is predicted to be deleterious by in silico analysis. Since supporting evidence is limited at this time, the clinical significance of this alteration remains unclear.

GeneDx
Classification: Uncertain significance. Last evaluated: 2019-11-12. Review status: criteria provided, single submitter. Criteria: GeneDx Variant Classification Process June 2021. Collection method: clinical testing. Allele origin: germline. Affected: yes.
Comment: Not observed in large population cohorts (Lek et al., 2016); In silico analysis, which includes protein predictors and evolutionary conservation, supports a deleterious effect; Has not been previously published as pathogenic or benign to our knowledge

Literature cited by the submitters: PubMed 17947298 (cited by Labcorp Genetics (formerly Invitae), Labcorp).

NM_005159.5(ACTC1):c.374T>C (p.Met125Thr)

Genes: GJD2-DT (GJD2 divergent transcript; plus strand), ACTC1 (actin alpha cardiac muscle 1; minus strand). Cytogenetic location: 15q14.
Variant type: single nucleotide variant.
Coding change: c.374T>C on transcript NM_005159.5 (MANE Select); coding-DNA position 374, T replaced by C.
Protein change: p.Met125Thr; replaces methionine 125 with threonine.
Molecular consequence: missense variant.
Genome position (GRCh38, 1-based): chr15:34,793,325, A>G on the plus strand (T>C on the coding strand, the complement: ACTC1 is on the minus strand). VCF-style: chr15-34793325-A-G. GRCh37 (hg19) VCF-style: chr15-35085526-A-G.
Other names: c.374T>C (LRG_388t1); short protein forms M125T.
Identifiers: ClinVar variation 653219 (VCV000653219.13), dbSNP rs1595761344, ClinGen allele CA391631378.